The following is an entry in ClinVar:

NM_001384140.1(PCDH15):c.4308GCC[8] (p.Pro1443_Gly1444insProProPro)

Gene: PCDH15 (protocadherin related 15; minus strand). Cytogenetic location: 10q21.1.
Variant type: Microsatellite.
Coding change: c.4308GCC[8] on transcript NM_001384140.1 (MANE Select); eight copies in a row of the 3-base unit GCC starting at c.4308; the reference has five copies in a row; three copies, 9 bases duplicated.
Protein change: p.Pro1443_Gly1444insProProPro.
Molecular consequence: inframe insertion. On other transcripts: inframe indel (1).
Genome position (GRCh38, 1-based): chr10:53,827,438-53,827,446, GGCGGCGGC duplicated on the plus strand (GCCGCCGCC on the coding strand, the reverse complement: PCDH15 is on the minus strand); duplicating any 9 consecutive bases within chr10:53,827,438-53,827,454 gives the same sequence; the position shown is the placement nearest the transcript's 3' end. VCF-style (leftmost placement, unchanged base first): chr10-53827437-A-AGGCGGCGGC. GRCh37 (hg19) VCF-style: chr10-55587197-A-AGGCGGCGGC.
Other names: c.4314_4322dup (NM_033056.4); c.4323GCC[8], p.Pro1448_Gly1449insProProPro (NM_001142763.2, NM_001142771.2); c.4308GCC[8], p.Pro1443_Gly1444insProProPro (NM_001142764.2, NM_001142770.3, NM_001142772.2 and 3 more transcripts); c.4095GCC[8], p.Pro1372_Gly1373insProProPro (NM_001142765.2); c.4299GCC[8], p.Pro1440_Gly1441insProProPro (NM_001142766.2); c.4188GCC[8], p.Pro1403_Gly1404insProProPro (NM_001142767.2); c.4242GCC[8], p.Pro1421_Gly1422insProProPro (NM_001142768.2, NM_001354404.2); c.4342_4344CCG[8], p.Pro1455_Gly1456insProProPro (NM_001142769.4); and 2 more.
Identifiers: ClinVar variation 968229 (VCV000968229.5), dbSNP rs559130985, ClinGen allele CA5505368.

ClinVar aggregate classification (germline): Uncertain significance. Review status: criteria provided, multiple submitters, no conflicts (2 of 4 stars). 3 submissions from 3 submitters: Uncertain significance (2). 1 of the submissions does not count toward it. Last evaluated 2024-10-25.

Conditions:
Usher syndrome type 1F (USH1F). Also called: USHER SYNDROME, TYPE IF. Identifiers: Orphanet 231169, Orphanet 886, MedGen C1865885, MONDO:0011186, OMIM 602083.

Submissions (3):

Labcorp Genetics (formerly Invitae), Labcorp
Classification: Uncertain significance. Last evaluated: 2024-10-25. Review status: criteria provided, single submitter. Criteria: Invitae Variant Classification Sherloc (09022015). Collection method: clinical testing. Allele origin: germline.
Comment: This variant, c.4314_4322dup, results in the insertion of 3 amino acid(s) of the PCDH15 protein (p.Pro1441_Pro1443dup), but otherwise preserves the integrity of the reading frame. This variant is present in population databases (rs559130985, gnomAD 0.05%). This variant has been observed in individual(s) with deafness (PMID: 26166082). ClinVar contains an entry for this variant (Variation ID: 968229). In summary, the available evidence is currently insufficient to determine the role of this variant in disease. Therefore, it has been classified as a Variant of Uncertain Significance.

GeneDx
Classification: Uncertain significance. Last evaluated: 2024-02-29. Review status: criteria provided, single submitter. Criteria: GeneDx Variant Classification Process June 2021. Collection method: clinical testing. Allele origin: germline. Affected: yes.
Comment: In-frame duplication of 3 amino acids in a repetitive region with no known function; Has not been previously published as pathogenic or benign to our knowledge; This variant is associated with the following publications: (PMID: 26166082)

Natera, Inc.
Classification: Uncertain significance for Usher syndrome type 1F. Last evaluated: 2020-01-24. Review status: no assertion criteria provided. Collection method: clinical testing. Allele origin: germline. Not counted in ClinVar's aggregate classification.

Literature cited by the submitters: PubMed 26166082 (cited by Labcorp Genetics (formerly Invitae), Labcorp).